The following is an entry in ClinVar:

NM_152564.5(VPS13B):c.3765C>T (p.Thr1255=)

Gene: VPS13B (vacuolar protein sorting 13 homolog B; plus strand). Cytogenetic location: 8q22.2.
Variant type: single nucleotide variant.
Coding change: c.3765C>T on transcript NM_152564.5 (MANE Select); coding-DNA position 3765, C replaced by T.
Protein change: p.Thr1255=; no amino-acid change (threonine 1255 retained).
Molecular consequence: synonymous variant.
Genome position (GRCh38, 1-based): chr8:99,481,697, C>T. VCF-style: chr8-99481697-C-T. GRCh37 (hg19) VCF-style: chr8-100493925-C-T.
Other names: c.3765C>T, p.Thr1255= (NM_017890.5).
Identifiers: ClinVar variation 2658706 (VCV002658706.27), dbSNP rs2490354640, ClinGen allele CA462432980.

ClinVar aggregate classification (germline): Likely benign. Review status: criteria provided, multiple submitters, no conflicts (2 of 4 stars). 2 submissions from 2 submitters: Likely benign (2). Last evaluated 2026-04-01.

Conditions:
Cohen syndrome (COH1). Also called: PEPPER SYNDROME; Cutis verticis gyrata, retinitis pigmentosa, and sensorineural deafness. Identifiers: Orphanet 193, MedGen C0265223, MONDO:0008999, OMIM 216550.

Allele frequency attached by ClinVar (database versions not stated): gnomAD exomes below 0.00001.
gnomAD v4.1: 1 of 1,614,020 alleles (0.000062%); highest among the groups gnomAD compares: East Asian, 0.0022%; no homozygotes.

Submissions (2):

CeGaT Center for Human Genetics Tuebingen
Classification: Likely benign. Last evaluated: 2026-04-01. Review status: criteria provided, single submitter. Criteria: CeGaT Center For Human Genetics Tuebingen Variant Classification Criteria Version 2. Collection method: clinical testing. Allele origin: germline. Affected: yes. Observed: 1 variant allele.
Comment: VPS13B: BP4, BP7

Labcorp Genetics (formerly Invitae), Labcorp
Classification: Likely benign for Cohen syndrome. Last evaluated: 2023-03-22. Review status: criteria provided, single submitter. Criteria: Invitae Variant Classification Sherloc (09022015). Collection method: clinical testing. Allele origin: germline.